The following is an entry in ClinVar:

NM_001312909.2(FAM111A):c.539A>C (p.Glu180Ala)

Gene: FAM111A (FAM111 trypsin like peptidase A; plus strand). Cytogenetic location: 11q12.1.
Variant type: single nucleotide variant.
Coding change: c.539A>C on transcript NM_001312909.2 (MANE Select); coding-DNA position 539, A replaced by C.
Protein change: p.Glu180Ala; replaces glutamic acid 180 with alanine.
Molecular consequence: missense variant.
Genome position (GRCh38, 1-based): chr11:59,152,207, A>C. VCF-style: chr11-59152207-A-C. GRCh37 (hg19) VCF-style: chr11-58919680-A-C.
Other names: c.539A>C, p.Glu180Ala (NM_001142519.3, NM_001142520.3, NM_001142521.3 and 29 more transcripts); c.539A>C (NM_001142520.1); short protein forms E180A.
Identifiers: ClinVar variation 1897671 (VCV001897671.5), dbSNP rs375468089, ClinGen allele CA6016598.

ClinVar aggregate classification (germline): Uncertain significance. Review status: criteria provided, multiple submitters, no conflicts (2 of 4 stars). 2 submissions from 2 submitters: Uncertain significance (2). Last evaluated 2025-05-04.

Conditions:
Inborn genetic diseases. Identifiers: MedGen C0950123, MeSH D030342.

Allele frequency attached by ClinVar (database versions not stated): gnomAD exomes 0.00003; gnomAD 0.00001; TOPMed 0.00002; ExAC 0.00004; ESP Exome Variant Server 0.00008.
gnomAD v4.1: 48 of 1,614,068 alleles (0.003%); highest among the groups gnomAD compares: Non-Finnish European, 0.004%; no homozygotes.

Submissions (2):

Ambry Genetics
Classification: Uncertain significance for Inborn genetic diseases. Last evaluated: 2025-05-04. Review status: criteria provided, single submitter. Criteria: Ambry Variant Classification Scheme 2023. Collection method: clinical testing. Allele origin: germline.

Labcorp Genetics (formerly Invitae), Labcorp
Classification: Uncertain significance. Last evaluated: 2022-05-14. Review status: criteria provided, single submitter. Criteria: Invitae Variant Classification Sherloc (09022015). Collection method: clinical testing. Allele origin: germline.
Comment: In summary, the available evidence is currently insufficient to determine the role of this variant in disease. Therefore, it has been classified as a Variant of Uncertain Significance. This sequence change replaces glutamic acid, which is acidic and polar, with alanine, which is neutral and non-polar, at codon 180 of the FAM111A protein (p.Glu180Ala). This variant is present in population databases (rs375468089, gnomAD 0.008%). Algorithms developed to predict the effect of missense changes on protein structure and function are either unavailable or do not agree on the potential impact of this missense change (SIFT: "Tolerated"; PolyPhen-2: "Benign"; Align-GVGD: "Class C25"). This variant has not been reported in the literature in individuals affected with FAM111A-related conditions.